The following is an entry in ClinVar:

NM_001113378.2(FANCI):c.3172G>A (p.Gly1058Arg)

Gene: FANCI (FA complementation group I; plus strand). Cytogenetic location: 15q26.1.
Variant type: single nucleotide variant.
Coding change: c.3172G>A on transcript NM_001113378.2 (MANE Select); coding-DNA position 3172, G replaced by A.
Protein change: p.Gly1058Arg; replaces glycine 1058 with arginine.
Molecular consequence: missense variant.
Genome position (GRCh38, 1-based): chr15:89,305,228, G>A. VCF-style: chr15-89305228-G-A. GRCh37 (hg19) VCF-style: chr15-89848459-G-A.
Other names: c.2893G>A, p.Gly965Arg (NM_001376910.1); c.3172G>A, p.Gly1058Arg (NM_001376911.1); c.2992G>A, p.Gly998Arg (NM_018193.3); short protein forms G998R, G965R, G1058R.
Identifiers: ClinVar variation 947048 (VCV000947048.9), dbSNP rs2054671049, ClinGen allele CA393739501.
Genomic context (GRCh38, chr15:89,305,228, plus strand): 5'-TCGTATAAGAGTCCTGTCATTCTGCTGCGTGACTTGTCCCAGGATATCCACGGGCATCTG[G>A]GAGATATAGACCAGGTACTATAATGAGCCTTCAGTACAATACCCTGTGTGGGGATGGGGG-3'
Protein context (NP_001106849.1, residues 1048-1068): DLSQDIHGHL[Gly1058Arg]DIDQDVEVEK

ClinVar aggregate classification (germline): Uncertain significance (1 of 4 stars; one submission).

Conditions:
Fanconi anemia (FA). Also called: Fanconi's anemia. Identifiers: Orphanet 84, MedGen C0015625, MeSH D005199, MONDO:0019391.

Submission:

Labcorp Genetics (formerly Invitae), Labcorp
Classification: Uncertain significance for Fanconi anemia. Last evaluated: 2022-08-09. Review status: criteria provided, single submitter. Criteria: Invitae Variant Classification Sherloc (09022015). Collection method: clinical testing. Allele origin: germline.
Comment: Algorithms developed to predict the effect of missense changes on protein structure and function are either unavailable or do not agree on the potential impact of this missense change (SIFT: "Deleterious"; PolyPhen-2: "Probably Damaging"; Align-GVGD: "Class C15"). In summary, the available evidence is currently insufficient to determine the role of this variant in disease. Therefore, it has been classified as a Variant of Uncertain Significance. ClinVar contains an entry for this variant (Variation ID: 947048). This sequence change replaces glycine, which is neutral and non-polar, with arginine, which is basic and polar, at codon 1058 of the FANCI protein (p.Gly1058Arg). This variant is not present in population databases (gnomAD no frequency). This variant has not been reported in the literature in individuals affected with FANCI-related conditions.